The following is an entry in ClinVar:

NM_001009944.3(PKD1):c.11314_11317dup (p.Ala3773fs)

Genes: PKD1 (polycystin 1, transient receptor potential channel interacting; minus strand), PKD1-AS1 (PKD1 antisense RNA 1; plus strand). Cytogenetic location: 16p13.3.
Variant type: Duplication.
Coding change: c.11314_11317dup on transcript NM_001009944.3 (MANE Select); coding-DNA positions 11314 to 11317, 4 bases duplicated (GCCG; older notation c.11314_11317dupGCCG).
Protein change: p.Ala3773fs; shifts the reading frame from alanine 3773.
Molecular consequence: frameshift variant.
Genome position (GRCh38, 1-based): chr16:2,092,141-2,092,144, CGGC duplicated on the plus strand (GCCG on the coding strand, the reverse complement: PKD1 is on the minus strand); duplicating any 4 consecutive bases within chr16:2,092,141-2,092,146 gives the same sequence; the c. name uses the placement nearest the transcript's 3' end. VCF-style (leftmost placement, unchanged base first): chr16-2092140-G-GCGGC. GRCh37 (hg19) VCF-style: chr16-2142141-G-GCGGC.
Other names: c.11311_11314dup, p.Ala3772fs (NM_000296.4); c.11314_11317dupGCCG (NM_001009944.3); short protein forms A3772fs, A3773fs.
Identifiers: ClinVar variation 4526122 (VCV004526122.1).
Genomic context (GRCh38, chr16:2,092,140, plus strand): 5'-CCCGAGCCATTGTGAGGACTCTCCCAGCCAACGTCGTAATCGCTGGTGCTGAAGCCTCCT[G>GCGGC]CGGCCGAGCACGTGTGGACCCTGGGGCCGGGAGGGTCTGGGTAGAGTGCTGAAACACACA-3'

ClinVar aggregate classification (germline): Pathogenic (1 of 4 stars; one submission).

Conditions:
Polycystic kidney disease, adult type (PKD1). Also called: Polycystic Kidney, Autosomal Dominant; POLYCYSTIC KIDNEY DISEASE, ADULT, TYPE I; Polycystic Kidney Disease 1, Autosomal Dominant; Polycystic kidney disease 1; Polycystic kidney disease 1, severe; POLYCYSTIC KIDNEY DISEASE 1 WITH OR WITHOUT POLYCYSTIC LIVER DISEASE. Identifiers: MedGen C3149841, MONDO:0008263, OMIM 173900.

Submission:

Women's Health and Genetics/Laboratory Corporation of America, LabCorp
Classification: Pathogenic for Polycystic kidney disease, adult type. Last evaluated: 2025-07-07. Review status: criteria provided, single submitter. Criteria: LabCorp Variant Classification Summary - May 2015. Collection method: clinical testing. Allele origin: germline.
Comment: Variant summary: PKD1 c.11314_11317dupGCCG (p.Ala3773GlyfsX44) results in a premature termination codon, predicted to cause a truncation of the encoded protein or absence of the protein due to nonsense mediated decay, which are commonly known mechanisms for disease. The frequency data for this variant in gnomAD is considered unreliable, as metrics indicate poor data quality at this position. c.11314_11317dupGCCG has been observed in an individual affected with Autosomal Dominant Polycystic Kidney Disease 1 (Hwang_2016). To our knowledge, no experimental evidence demonstrating an impact on protein function has been reported. The following publication have been ascertained in the context of this evaluation (PMID: 26453610). No submitters have cited clinical-significance assessments for this variant to ClinVar. Based on the evidence outlined above, the variant was classified as pathogenic.

Literature cited by the submitters: PubMed 26453610.